The following is an entry in ClinVar:

NM_000053.4(ATP7B):c.2588C>G (p.Pro863Arg)

Gene: ATP7B (ATPase copper transporting beta; minus strand). Cytogenetic location: 13q14.3.
Variant type: single nucleotide variant.
Coding change: c.2588C>G on transcript NM_000053.4 (MANE Select); coding-DNA position 2588, C replaced by G.
Protein change: p.Pro863Arg; replaces proline 863 with arginine.
Molecular consequence: missense variant.
Genome position (GRCh38, 1-based): chr13:51,950,149, G>C on the plus strand (C>G on the coding strand, the complement: ATP7B is on the minus strand). VCF-style: chr13-51950149-G-C. GRCh37 (hg19) VCF-style: chr13-52524285-G-C.
Other names: c.2588C>G, p.Pro863Arg (NM_001406516.1, NM_001406519.1, NM_001406523.1 and 7 more transcripts); c.2492C>G, p.Pro831Arg (NM_001406517.1, NM_001406518.1); c.2444C>G, p.Pro815Arg (NM_001406520.1, NM_001406521.1, NM_001406522.1 and 1 more transcripts); c.2411C>G, p.Pro804Arg (NM_001406524.1); c.2102C>G, p.Pro701Arg (NM_001005918.3, NM_001406541.1, NM_001406542.1 and 1 more transcripts); c.2255C>G, p.Pro752Arg (NM_001243182.2); c.2354C>G, p.Pro785Arg (NM_001330578.2, NM_001406538.1, NM_001406527.1 and 2 more transcripts); c.2336C>G, p.Pro779Arg (NM_001330579.2, NM_001406540.1, NM_001406531.1 and 1 more transcripts); and 9 more; short protein forms P433R, P647R, P669R, P701R, P720R, P747R, P752R, P753R.
Identifiers: ClinVar variation 3074623 (VCV003074623.2), dbSNP rs2547671549, ClinGen allele CA388015300.
Genomic context (GRCh38, chr13:51,950,149, plus strand): 5'-ACAGAGCCATGTGCATTTATAGACCCCGCAATTACAGTGCTTCCGGGTTTCTTAGTGACT[G>C]GCATGGCTTCTCCTAGACGTAGGAAAGAGACAACTGTCACTTGCTCAGCCCCATCCAGCA-3'
Protein context (NP_000044.2, residues 853-873): DESLITGEAM[Pro863Arg]VTKKPGSTVI

ClinVar aggregate classification (germline): Uncertain significance. Review status: criteria provided, multiple submitters, no conflicts (2 of 4 stars). 2 submissions from 2 submitters: Uncertain significance (2). Last evaluated 2024-01-08.

Conditions:
Wilson disease (WND). Also called: Wilson's disease. Identifiers: Orphanet 905, MedGen C0019202, MONDO:0010200, OMIM 277900. Disease mechanism: loss of function.

Allele frequency attached by ClinVar (database versions not stated): gnomAD exomes below 0.00001.
gnomAD v4.1: 1 of 1,614,158 alleles (0.000062%); highest among the groups gnomAD compares: Admixed American, 0.0017%; no homozygotes.

Submissions (2):

GeneDx
Classification: Uncertain significance. Last evaluated: 2024-01-08. Review status: criteria provided, single submitter. Criteria: GeneDx Variant Classification Process June 2021. Collection method: clinical testing. Allele origin: germline. Affected: yes.
Comment: Not observed at significant frequency in large population cohorts (gnomAD); In silico analysis supports that this missense variant has a deleterious effect on protein structure/function; Has not been previously published as pathogenic or benign to our knowledge

All of Us Research Program, National Institutes of Health
Classification: Uncertain significance for Wilson disease. Last evaluated: 2023-12-13. Review status: criteria provided, single submitter. Criteria: ACMG Guidelines, 2015. Collection method: clinical testing. Allele origin: germline. Inheritance: Autosomal recessive inheritance. Observed: 2 variant alleles, 2 heterozygotes.
Comment: This missense variant replaces proline with arginine at codon 863 of the ATP7B protein. Computational prediction suggests that this variant may have deleterious impact on protein structure and function (internally defined REVEL score threshold >= 0.7, PMID: 27666373). This variant alters a conserved proline residue in the actuator domain of the ATP7B protein (a.a. 786 - 917), a highly conserved region that is considered to be important for ATP7B protein function (PMID: 35245129; ClinVar). To our knowledge, functional studies have not been reported for this variant. This variant has not been reported in individuals affected with ATP7B-related disorders in the literature. This variant has not been identified in the general population by the Genome Aggregation Database (gnomAD). The available evidence is insufficient to determine the role of this variant in disease conclusively. Therefore, this variant is classified as a Variant of Uncertain Significance.

This study involves interpretation of variants in research participants for the purpose of population health screening. Participant phenotype was not available at the time of variant classification. Additional details can be found in publication PMID: 35346344, PMCID: PMC8962531

Literature cited by the submitters: PubMed 35245129 (cited by All of Us Research Program, National Institutes of Health).